The following is an entry in ClinVar:

ClinVar aggregate classification (germline): Uncertain significance (1 of 4 stars; one submission).

Conditions:
Jeune thoracic dystrophy. Also called: Jeune syndrome; Infantile thoracic dystrophy; Thoracic pelvic phalangeal dystrophy; Jeune's syndrome; Chondroectodermal dysplasia-like syndrome; Short-rib thoracic dysplasia. Identifiers: Orphanet 474, MedGen C0265275, MONDO:0018770.
Nephronophthisis. Also called: Juvenile Nephronophthisis. Identifiers: Orphanet 655, MedGen C0687120, MONDO:0019005, HP:0000090.

Submission:

Labcorp Genetics (formerly Invitae), Labcorp
Classification: Uncertain significance for Jeune thoracic dystrophy; Nephronophthisis. Last evaluated: 2020-12-26. Review status: criteria provided, single submitter. Criteria: Invitae Variant Classification Sherloc (09022015). Collection method: clinical testing. Allele origin: germline.
Comment: Algorithms developed to predict the effect of missense changes on protein structure and function are either unavailable or do not agree on the potential impact of this missense change (SIFT: "Deleterious"; PolyPhen-2: "Benign"; Align-GVGD: "Class C0"). In summary, the available evidence is currently insufficient to determine the role of this variant in disease. Therefore, it has been classified as a Variant of Uncertain Significance. This variant has not been reported in the literature in individuals with TTC21B-related conditions. This variant is not present in population databases (ExAC no frequency). This sequence change replaces glutamine with arginine at codon 855 of the TTC21B protein (p.Gln855Arg). The glutamine residue is moderately conserved and there is a small physicochemical difference between glutamine and arginine.

NM_024753.5(TTC21B):c.2564A>G (p.Gln855Arg)

Gene: TTC21B (tetratricopeptide repeat domain 21B; minus strand). Cytogenetic location: 2q24.3.
Variant type: single nucleotide variant.
Coding change: c.2564A>G on transcript NM_024753.5 (MANE Select); coding-DNA position 2564, A replaced by G.
Protein change: p.Gln855Arg; replaces glutamine 855 with arginine.
Molecular consequence: missense variant.
Genome position (GRCh38, 1-based): chr2:165,907,682, T>C on the plus strand (A>G on the coding strand, the complement: TTC21B is on the minus strand). VCF-style: chr2-165907682-T-C. GRCh37 (hg19) VCF-style: chr2-166764192-T-C.
Other names: short protein forms Q855R.
Identifiers: ClinVar variation 1442608 (VCV001442608.8), dbSNP rs2105313560, ClinGen allele CA349055127.
Genomic context (GRCh38, chr2:165,907,682, plus strand): 5'-TTCCTTCTGCATCCATCTCCTACCTCATGACCACACTCACAGACAAATGTGTTTACCTGT[T>C]GTAATGCAGTGATCGCATCACCAAGTTTTTCCATTTTACTATAAACTTTTGCTAGAAGAA-3'
Protein context (NP_079029.3, residues 845-865): EKLGDAITAL[Gln855Arg]QARELQARVL